The following is an entry in ClinVar:

NM_052874.5(STX1B):c.319C>T (p.Arg107Cys)

Gene: STX1B (syntaxin 1B; minus strand). Cytogenetic location: 16p11.2.
Variant type: single nucleotide variant.
Coding change: c.319C>T on transcript NM_052874.5 (MANE Select); coding-DNA position 319, C replaced by T.
Protein change: p.Arg107Cys; replaces arginine 107 with cysteine.
Molecular consequence: missense variant.
Genome position (GRCh38, 1-based): chr16:30,997,537, G>A on the plus strand (C>T on the coding strand, the complement: STX1B is on the minus strand). VCF-style: chr16-30997537-G-A. GRCh37 (hg19) VCF-style: chr16-31008858-G-A.
Other names: short protein forms R107C.
Identifiers: ClinVar variation 1056616 (VCV001056616.7), dbSNP rs2143670951, ClinGen allele CA395649699.

ClinVar aggregate classification (germline): Uncertain significance (1 of 4 stars; one submission).

Conditions:
Generalized epilepsy with febrile seizures plus, type 9 (GEFSP9). Also called: GEFS+, TYPE 9. Identifiers: Orphanet 36387, MedGen C4015395, MONDO:0014517, OMIM 616172.

Allele frequency attached by ClinVar (database versions not stated): gnomAD exomes below 0.00001.

Submission:

Labcorp Genetics (formerly Invitae), Labcorp
Classification: Uncertain significance for Generalized epilepsy with febrile seizures plus, type 9. Last evaluated: 2022-10-13. Review status: criteria provided, single submitter. Criteria: Invitae Variant Classification Sherloc (09022015). Collection method: clinical testing. Allele origin: germline.
Comment: In summary, the available evidence is currently insufficient to determine the role of this variant in disease. Therefore, it has been classified as a Variant of Uncertain Significance. Advanced modeling of protein sequence and biophysical properties (such as structural, functional, and spatial information, amino acid conservation, physicochemical variation, residue mobility, and thermodynamic stability) performed at Invitae indicates that this missense variant is not expected to disrupt STX1B protein function. ClinVar contains an entry for this variant (Variation ID: 1056616). This variant has not been reported in the literature in individuals affected with STX1B-related conditions. This variant is not present in population databases (gnomAD no frequency). This sequence change replaces arginine, which is basic and polar, with cysteine, which is neutral and slightly polar, at codon 107 of the STX1B protein (p.Arg107Cys).